The following is an entry in ClinVar:

NM_000183.3(HADHB):c.110-2351G>T

Gene: HADHB (hydroxyacyl-CoA dehydrogenase trifunctional multienzyme complex subunit beta; plus strand). Cytogenetic location: 2p23.3.
Variant type: single nucleotide variant.
Coding change: c.110-2351G>T on transcript NM_000183.3 (MANE Select); 2351 bases into the intron before coding-DNA position 110, G replaced by T.
Molecular consequence: intron variant. On other transcripts: synonymous variant (1).
Genome position (GRCh38, 1-based): chr2:26,261,029, G>T. VCF-style: chr2-26261029-G-T. GRCh37 (hg19) VCF-style: chr2-26483897-G-T.
Other names: c.9G>T, p.Leu3= (NM_001281513.2); c.110-2351G>T (NM_001281512.2); c.9G>T (NM_001281513.1).
Identifiers: ClinVar variation 1298796 (VCV001298796.38), dbSNP rs138809384, ClinGen allele CA1560091.

ClinVar aggregate classification (germline): Likely benign. Review status: criteria provided, multiple submitters, no conflicts (2 of 4 stars). 4 submissions from 4 submitters: Likely benign (3). 1 of the submissions does not count toward it. Last evaluated 2026-09-01.

Conditions:
HADHB-related disorder. Also called: HADHB-related condition.

Allele frequency attached by ClinVar (database versions not stated): ExAC 0.00112; 1000 Genomes Project 0.00120; 1000 Genomes Project 30x 0.00125; TOPMed 0.00209; gnomAD 0.00229 and 0.00239.
gnomAD v4.1: 4,914 of 1,522,020 alleles (0.32%); highest among the groups gnomAD compares: Non-Finnish European, 0.4%; 17 homozygotes.

Submissions (4):

CeGaT Center for Human Genetics Tuebingen
Classification: Likely benign. Last evaluated: 2026-09-01. Review status: criteria provided, single submitter. Criteria: CeGaT Center For Human Genetics Tuebingen Variant Classification Criteria Version 2. Collection method: clinical testing. Allele origin: germline. Affected: yes. Observed: 13 variant alleles.
Comment: HADHB: BS2

Blueprint Genetics
Classification: Likely benign. Last evaluated: 2024-11-23. Review status: criteria provided, single submitter. Criteria: ACMG Guidelines, 2015. Collection method: clinical testing. Allele origin: germline.

Breakthrough Genomics
Classification: Likely benign. Review status: criteria provided, single submitter. Criteria: ACMG Guidelines, 2015. Collection method: not provided. Allele origin: germline. Inheritance: Autosomal recessive inheritance. Affected: yes.

PreventionGenetics, part of Exact Sciences
Classification: Likely benign for HADHB-related condition. Last evaluated: 2020-09-24. Review status: no assertion criteria provided. Collection method: clinical testing. Allele origin: germline. Not counted in ClinVar's aggregate classification.
Comment: This variant is classified as likely benign based on ACMG/AMP sequence variant interpretation guidelines (Richards et al. 2015 PMID: 25741868, with internal and published modifications).